The following is an entry in ClinVar:

NM_006031.6(PCNT):c.2188G>T (p.Glu730Ter)

Gene: PCNT (pericentrin; plus strand). Cytogenetic location: 21q22.3.
Variant type: single nucleotide variant.
Coding change: c.2188G>T on transcript NM_006031.6 (MANE Select); coding-DNA position 2188, G replaced by T.
Protein change: p.Glu730Ter; replaces glutamic acid 730 with a stop codon.
Molecular consequence: nonsense.
Genome position (GRCh38, 1-based): chr21:46,363,513, G>T. VCF-style: chr21-46363513-G-T. GRCh37 (hg19) VCF-style: chr21-47783428-G-T.
Other names: c.1834G>T, p.Glu612Ter (NM_001315529.2); short protein forms E612*, E730*.
Identifiers: ClinVar variation 2737013 (VCV002737013.3), dbSNP rs761005255, ClinGen allele CA10078923.

ClinVar aggregate classification (germline): Pathogenic (1 of 4 stars; one submission).

Allele frequency attached by ClinVar (database versions not stated): ExAC 0.00001.
gnomAD v4.1: 1 of 1,613,912 alleles (0.000062%); highest among the groups gnomAD compares: Non-Finnish European, 0.000085%; no homozygotes.

Submission:

Labcorp Genetics (formerly Invitae), Labcorp
Classification: Pathogenic. Last evaluated: 2023-02-22. Review status: criteria provided, single submitter. Criteria: Invitae Variant Classification Sherloc (09022015). Collection method: clinical testing. Allele origin: germline.
Comment: For these reasons, this variant has been classified as Pathogenic. This premature translational stop signal has been observed in individual(s) with microcephalic osteodysplastic primordial dwarfism (PMID: 22821869). This variant is present in population databases (rs761005255, gnomAD 0.0009%). This sequence change creates a premature translational stop signal (p.Glu730*) in the PCNT gene. It is expected to result in an absent or disrupted protein product. Loss-of-function variants in PCNT are known to be pathogenic (PMID: 18174396, 22821869).

Literature cited by the submitters: PubMed 22821869; PubMed 18174396.